The following is an entry in ClinVar:

NM_001297.5(CNGB1):c.761+3G>A

Gene: CNGB1 (cyclic nucleotide gated channel subunit beta 1; minus strand). Cytogenetic location: 16q21.
Variant type: single nucleotide variant.
Coding change: c.761+3G>A on transcript NM_001297.5 (MANE Select); 3 bases into the intron after coding-DNA position 761, G replaced by A.
Molecular consequence: intron variant.
Genome position (GRCh38, 1-based): chr16:57,959,885, C>T on the plus strand (G>A on the coding strand, the complement: CNGB1 is on the minus strand). VCF-style: chr16-57959885-C-T. GRCh37 (hg19) VCF-style: chr16-57993789-C-T.
Other names: c.743+3G>A (NM_001286130.2); c.761+3G>A (NM_001135639.2).
Identifiers: ClinVar variation 2064150 (VCV002064150.4), dbSNP rs2544676219, ClinGen allele CA2576013512.

ClinVar aggregate classification (germline): Uncertain significance (1 of 4 stars; one submission).

Allele frequency attached by ClinVar (database versions not stated): gnomAD exomes below 0.00001.
gnomAD v4.1: 7 of 1,524,132 alleles (0.00046%); highest among the groups gnomAD compares: African/African-American, 0.0014%; no homozygotes.

Submission:

Labcorp Genetics (formerly Invitae), Labcorp
Classification: Uncertain significance. Last evaluated: 2023-04-24. Review status: criteria provided, single submitter. Criteria: Invitae Variant Classification Sherloc (09022015). Collection method: clinical testing. Allele origin: germline.
Comment: This variant has not been reported in the literature in individuals affected with CNGB1-related conditions. In summary, the available evidence is currently insufficient to determine the role of this variant in disease. Therefore, it has been classified as a Variant of Uncertain Significance. Variants that disrupt the consensus splice site are a relatively common cause of aberrant splicing (PMID: 17576681, 9536098). Algorithms developed to predict the effect of sequence changes on RNA splicing suggest that this variant is not likely to affect RNA splicing. ClinVar contains an entry for this variant (Variation ID: 2064150). This variant is not present in population databases (gnomAD no frequency). This sequence change falls in intron 10 of the CNGB1 gene. It does not directly change the encoded amino acid sequence of the CNGB1 protein. It affects a nucleotide within the consensus splice site.

Literature cited by the submitters: PubMed 17576681; PubMed 9536098.